The following is an entry in ClinVar:

NM_000264.5(PTCH1):c.3208A>C (p.Met1070Leu)

Gene: PTCH1 (patched 1; minus strand). Cytogenetic location: 9q22.32.
Variant type: single nucleotide variant.
Coding change: c.3208A>C on transcript NM_000264.5 (MANE Select); coding-DNA position 3208, A replaced by C.
Protein change: p.Met1070Leu; replaces methionine 1070 with leucine.
Molecular consequence: missense variant. On other transcripts: non-coding transcript variant (1).
Genome position (GRCh38, 1-based): chr9:95,456,374, T>G on the plus strand (A>C on the coding strand, the complement: PTCH1 is on the minus strand). VCF-style: chr9-95456374-T-G. GRCh37 (hg19) VCF-style: chr9-98218656-T-G.
Other names: c.3010A>C, p.Met1004Leu (NM_001083602.3); c.3205A>C, p.Met1069Leu (NM_001083603.3); c.2755A>C, p.Met919Leu (NM_001083604.3, NM_001083605.3, NM_001083606.3 and 1 more transcripts); c.3052A>C, p.Met1018Leu (NM_001354918.2); short protein forms M1070L, M1069L, M1004L, M919L, M1018L.
Identifiers: ClinVar variation 4146823 (VCV004146823.1).

ClinVar aggregate classification (germline): Uncertain significance (1 of 4 stars; one submission).

Conditions:
Hereditary cancer-predisposing syndrome. Also called: Hereditary neoplastic syndrome; Neoplastic Syndromes, Hereditary; Tumor predisposition; Hereditary Cancer Syndrome. Identifiers: Orphanet 140162, MedGen C0027672, MeSH D009386, MONDO:0015356.

Submission:

Ambry Genetics
Classification: Uncertain significance for Hereditary cancer-predisposing syndrome. Last evaluated: 2025-08-19. Review status: criteria provided, single submitter. Criteria: Ambry Variant Classification Scheme 2023. Collection method: clinical testing. Allele origin: germline.
Comment: The p.M1070L variant (also known as c.3208A>C), located in coding exon 19 of the PTCH1 gene, results from an A to C substitution at nucleotide position 3208. The methionine at codon 1070 is replaced by leucine, an amino acid with highly similar properties. This amino acid position is conserved. In addition, the in silico prediction for this alteration is inconclusive. Based on the available evidence, the clinical significance of this variant remains unclear.